The following is an entry in ClinVar:

ClinVar aggregate classification (germline): Uncertain significance (1 of 4 stars; one submission).

Allele frequency attached by ClinVar (database versions not stated): gnomAD 0.00002; ExAC 0.00003; gnomAD exomes 0.00004 and 0.00007.
gnomAD v4.1: 101 of 1,613,864 alleles (0.0063%); highest among the groups gnomAD compares: Non-Finnish European, 0.008%; no homozygotes.

Submission:

Labcorp Genetics (formerly Invitae), Labcorp
Classification: Uncertain significance. Last evaluated: 2022-04-28. Review status: criteria provided, single submitter. Criteria: Invitae Variant Classification Sherloc (09022015). Collection method: clinical testing. Allele origin: germline.
Comment: This sequence change replaces proline, which is neutral and non-polar, with serine, which is neutral and polar, at codon 443 of the MCM3AP protein (p.Pro443Ser). This variant is present in population databases (rs202234966, gnomAD 0.008%). This missense change has been observed in individual(s) with clinical features of immunodeficiency (PMID: 26615982). Algorithms developed to predict the effect of missense changes on protein structure and function are either unavailable or do not agree on the potential impact of this missense change (SIFT: "Deleterious"; PolyPhen-2: "Probably Damaging"; Align-GVGD: "Class C0"). Experimental studies have shown that this missense change affects MCM3AP function (PMID: 26615982). In summary, the available evidence is currently insufficient to determine the role of this variant in disease. Therefore, it has been classified as a Variant of Uncertain Significance.

Literature cited by the submitters: PubMed 26615982.

NM_003906.5(MCM3AP):c.1327C>T (p.Pro443Ser)

Gene: MCM3AP (minichromosome maintenance complex component 3 associated protein; minus strand). Cytogenetic location: 21q22.3.
Variant type: single nucleotide variant.
Coding change: c.1327C>T on transcript NM_003906.5 (MANE Select); coding-DNA position 1327, C replaced by T.
Protein change: p.Pro443Ser; replaces proline 443 with serine.
Molecular consequence: missense variant.
Genome position (GRCh38, 1-based): chr21:46,283,731, G>A on the plus strand (C>T on the coding strand, the complement: MCM3AP is on the minus strand). VCF-style: chr21-46283731-G-A. GRCh37 (hg19) VCF-style: chr21-47703645-G-A.
Other names: short protein forms P443S.
Identifiers: ClinVar variation 1417614 (VCV001417614.3), dbSNP rs202234966, ClinGen allele CA10077119.